The following is an entry in ClinVar:

NM_006361.6(HOXB13):c.178C>T (p.Pro60Ser)

Gene: HOXB13 (homeobox B13; minus strand). Cytogenetic location: 17q21.32.
Variant type: single nucleotide variant.
Coding change: c.178C>T on transcript NM_006361.6 (MANE Select); coding-DNA position 178, C replaced by T.
Protein change: p.Pro60Ser; replaces proline 60 with serine.
Molecular consequence: missense variant.
Genome position (GRCh38, 1-based): chr17:48,728,416, G>A on the plus strand (C>T on the coding strand, the complement: HOXB13 is on the minus strand). VCF-style: chr17-48728416-G-A. GRCh37 (hg19) VCF-style: chr17-46805778-G-A.
Other names: short protein forms P60S.
Identifiers: ClinVar variation 690600 (VCV000690600.11), dbSNP rs1597934879, ClinGen allele CA400108951.

ClinVar aggregate classification (germline): Uncertain significance. Review status: criteria provided, multiple submitters, no conflicts (2 of 4 stars). 3 submissions from 3 submitters: Uncertain significance (2). 1 of the submissions does not count toward it. Last evaluated 2025-09-01.

Conditions:
Hereditary cancer-predisposing syndrome. Also called: Neoplastic Syndromes, Hereditary; Tumor predisposition; Hereditary neoplastic syndrome; Hereditary Cancer Syndrome. Identifiers: Orphanet 140162, MedGen C0027672, MeSH D009386, MONDO:0015356.
Prostate cancer, hereditary, 1 (HPC1). Identifiers: Orphanet 1331, MedGen C4722327, MONDO:0011098, OMIM 601518.

Submissions (3):

Ambry Genetics
Classification: Uncertain significance for Hereditary cancer-predisposing syndrome. Last evaluated: 2025-09-01. Review status: criteria provided, single submitter. Criteria: Ambry Variant Classification Scheme 2023. Collection method: clinical testing. Allele origin: germline.
Comment: The p.P60S variant (also known as c.178C>T), located in coding exon 1 of the HOXB13 gene, results from a C to T substitution at nucleotide position 178. The proline at codon 60 is replaced by serine, an amino acid with similar properties. This amino acid position is conserved. In addition, this alteration is predicted to be tolerated by in silico analysis. Based on the available evidence, the clinical significance of this variant remains unclear.

Labcorp Genetics (formerly Invitae), Labcorp
Classification: Uncertain significance. Last evaluated: 2025-06-09. Review status: criteria provided, single submitter. Criteria: Invitae Variant Classification Sherloc (09022015). Collection method: clinical testing. Allele origin: germline.
Comment: This sequence change replaces proline, which is neutral and non-polar, with serine, which is neutral and polar, at codon 60 of the HOXB13 protein (p.Pro60Ser). This variant is not present in population databases (gnomAD no frequency). This variant has not been reported in the literature in individuals affected with HOXB13-related conditions. ClinVar contains an entry for this variant (Variation ID: 690600). An algorithm developed to predict the effect of missense changes on protein structure and function outputs the following: PolyPhen-2: "Benign". The serine amino acid residue is found in multiple mammalian species, which suggests that this missense change does not adversely affect protein function. In summary, the available evidence is currently insufficient to determine the role of this variant in disease. Therefore, it has been classified as a Variant of Uncertain Significance.

Laboratory of Virology, Microbiology,  Quality and Medical Biotechnologies, Faculty of Sciences and Techniques - Mohammedia, Hassan II University of Casablanca
Classification: Uncertain significance for Prostate cancer, hereditary, 1. Review status: no assertion criteria provided. Collection method: clinical testing. Allele origin: somatic. Affected: yes. Not counted in ClinVar's aggregate classification.